The following is an entry in ClinVar:

ClinVar aggregate classification (germline): Uncertain significance (0 of 4 stars; one submission).

Conditions:
DNMT3A-related disorder. Also called: DNMT3A-related disorders; DNMT3A-related condition.

gnomAD v4.1: 2 of 1,366,514 alleles (0.00015%); highest among the groups gnomAD compares: Non-Finnish European, 0.0002%; no homozygotes.

Submission:

PreventionGenetics, part of Exact Sciences
Classification: Uncertain significance for DNMT3A-related condition. Last evaluated: 2023-11-01. Review status: no assertion criteria provided. Collection method: clinical testing. Allele origin: germline.
Comment: The DNMT3A c.13C>G variant is predicted to result in the amino acid substitution p.Pro5Ala. This variant can be referred to as intronic variant c.640-3830C>G with alternative transcript (NM_175629.2). To our knowledge, this variant has not been reported in the literature or in a large population database, indicating this variant is rare. At this time, the clinical significance of this variant is uncertain due to the absence of conclusive functional and genetic evidence.

NM_022552.5(DNMT3A):c.640-3830C>G

Genes: DNMT3A (DNA methyltransferase 3 alpha; minus strand), LOC129933288 (ATAC-STARR-seq lymphoblastoid silent region 11249; plus strand). Cytogenetic location: 2p23.3.
Variant type: single nucleotide variant.
Coding change: c.640-3830C>G on transcript NM_022552.5 (MANE Select); 3830 bases into the intron before coding-DNA position 640, C replaced by G.
Molecular consequence: intron variant. On other transcripts: missense variant (1).
Genome position (GRCh38, 1-based): chr2:25,252,082, G>C on the plus strand (C>G on the coding strand, the complement: DNMT3A is on the minus strand). VCF-style: chr2-25252082-G-C. GRCh37 (hg19) VCF-style: chr2-25474951-G-C.
Other names: c.13C>G, p.Pro5Ala (NM_001320893.1); c.640-3830C>G (NM_175629.2); c.4+112C>G (NM_153759.3); c.-31+112C>G (NM_001375819.1); short protein forms P5A.
Identifiers: ClinVar variation 3056079 (VCV003056079.2), dbSNP rs1020404234, ClinGen allele CA2658168209.
Genomic context (GRCh38, chr2:25,252,082, plus strand): 5'-CCAGCACTAAGTCAGCATCTCCAGAACTCGGGCCAGGCCGGGACGCCGCGGCTGCTGCGG[G>C]CCGGGGAGGCATACTTCACTCTTTTCAAACCCGGAGGGCTGCGGAGATCCTCCCACCGGC-3'